The following is an entry in ClinVar:

ClinVar aggregate classification (germline): Uncertain significance. Review status: criteria provided, multiple submitters, no conflicts (2 of 4 stars). 3 submissions from 3 submitters: Uncertain significance (3). Last evaluated 2025-01-15.

Conditions:
Cone-rod dystrophy 5 (CORD5). Identifiers: Orphanet 1872, MedGen C1832976, MONDO:0010969, OMIM 600977.

Allele frequency attached by ClinVar (database versions not stated): gnomAD exomes 0.00002; TOPMed 0.00003.
gnomAD v4.1: 43 of 1,335,580 alleles (0.0032%); highest among the groups gnomAD compares: Admixed American, 0.015%; no homozygotes.

Submissions (3):

Labcorp Genetics (formerly Invitae), Labcorp
Classification: Uncertain significance. Last evaluated: 2025-01-15. Review status: criteria provided, single submitter. Criteria: Invitae Variant Classification Sherloc (09022015). Collection method: clinical testing. Allele origin: germline.
Comment: This sequence change replaces arginine, which is basic and polar, with cysteine, which is neutral and slightly polar, at codon 6 of the PITPNM3 protein (p.Arg6Cys). The frequency data for this variant in the population databases is considered unreliable, as metrics indicate poor data quality at this position in the gnomAD database. This variant has not been reported in the literature in individuals affected with PITPNM3-related conditions. ClinVar contains an entry for this variant (Variation ID: 889027). An algorithm developed to predict the effect of missense changes on protein structure and function outputs the following: PolyPhen-2: "Not Available". The cysteine amino acid residue is found in multiple mammalian species, which suggests that this missense change does not adversely affect protein function. In summary, the available evidence is currently insufficient to determine the role of this variant in disease. Therefore, it has been classified as a Variant of Uncertain Significance.

Ambry Genetics
Classification: Uncertain significance. Last evaluated: 2023-05-04. Review status: criteria provided, single submitter. Criteria: Ambry Variant Classification Scheme 2023. Collection method: clinical testing. Allele origin: germline.

Illumina Laboratory Services, Illumina
Classification: Uncertain significance for Cone-rod dystrophy 5. Last evaluated: 2018-01-13. Review status: criteria provided, single submitter. Criteria: ICSL Variant Classification Criteria 13 December 2019. Collection method: clinical testing. Allele origin: germline.

NM_031220.4(PITPNM3):c.16C>T (p.Arg6Cys)

Gene: PITPNM3 (PITPNM family member 3; minus strand). Cytogenetic location: 17p13.1.
Variant type: single nucleotide variant.
Coding change: c.16C>T on transcript NM_031220.4 (MANE Select); coding-DNA position 16, C replaced by T.
Protein change: p.Arg6Cys; replaces arginine 6 with cysteine.
Molecular consequence: missense variant.
Genome position (GRCh38, 1-based): chr17:6,556,391, G>A on the plus strand (C>T on the coding strand, the complement: PITPNM3 is on the minus strand). VCF-style: chr17-6556391-G-A. GRCh37 (hg19) VCF-style: chr17-6459711-G-A.
Other names: c.16C>T, p.Arg6Cys (NM_001165966.2); short protein forms R6C.
Identifiers: ClinVar variation 889027 (VCV000889027.13), dbSNP rs1471395517, ClinGen allele CA397404482.
Genomic context (GRCh38, chr17:6,556,391, plus strand): 5'-CGCGCGAGTCCCTCCCCCGGGCCCCGGCCCTGCCCTCCCCGCGCCCGCCCTCACCTGCAC[G>A]GCCCGCCTTGGCCATGTCCCGGGCGGCGGGCTCCGGCGGCGCTACGCGCGCTCCTCGCGC-3'
Protein context (NP_112497.2, residues 1-16): MAKAG[Arg6Cys]AGGPPPGGGA